The following is an entry in ClinVar:

ClinVar aggregate classification (germline): Uncertain significance (1 of 4 stars; one submission).

Conditions:
Spastic paraplegia. Identifiers: MedGen C0037772, HP:0001258.

gnomAD v4.1: 1 of 1,614,234 alleles (0.000062%); highest among the groups gnomAD compares: East Asian, 0.0022%; no homozygotes.

Submission:

Labcorp Genetics (formerly Invitae), Labcorp
Classification: Uncertain significance for Spastic paraplegia. Last evaluated: 2024-08-15. Review status: criteria provided, single submitter. Criteria: Invitae Variant Classification Sherloc (09022015). Collection method: clinical testing. Allele origin: germline.
Comment: This sequence change replaces histidine, which is basic and polar, with asparagine, which is neutral and polar, at codon 542 of the KIF5A protein (p.His542Asn). This variant is not present in population databases (gnomAD no frequency). This missense change has been observed in individual(s) with amyotrophic lateral sclerosis (PMID: 31422367, 34544842). Invitae Evidence Modeling of protein sequence and biophysical properties (such as structural, functional, and spatial information, amino acid conservation, physicochemical variation, residue mobility, and thermodynamic stability) has been performed for this missense variant. However, the output from this modeling did not meet the statistical confidence thresholds required to predict the impact of this variant on KIF5A protein function. In summary, the available evidence is currently insufficient to determine the role of this variant in disease. Therefore, it has been classified as a Variant of Uncertain Significance.

Literature cited by the submitters: PubMed 31422367; PubMed 34544842.

NM_004984.4(KIF5A):c.1624C>A (p.His542Asn)

Gene: KIF5A (kinesin family member 5A; plus strand). Cytogenetic location: 12q13.3.
Variant type: single nucleotide variant.
Coding change: c.1624C>A on transcript NM_004984.4 (MANE Select); coding-DNA position 1624, C replaced by A.
Protein change: p.His542Asn; replaces histidine 542 with asparagine.
Molecular consequence: missense variant.
Genome position (GRCh38, 1-based): chr12:57,572,634, C>A. VCF-style: chr12-57572634-C-A. GRCh37 (hg19) VCF-style: chr12-57966417-C-A.
Other names: c.1357C>A, p.His453Asn (NM_001354705.2); short protein forms H453N, H542N.
Identifiers: ClinVar variation 3713291 (VCV003713291.2).